The following is an entry in ClinVar:

ClinVar aggregate classification (germline): Pathogenic (1 of 4 stars; one submission).

Conditions:
Peroxisome biogenesis disorder 3A (Zellweger). Also called: PEROXISOMAL BIOGENESIS DISORDER 3A (ZELLWEGER); Peroxisome biogenesis disorder 3A. Identifiers: Orphanet 912, MedGen C3553929, MONDO:0013927, OMIM 614859.

Allele frequency attached by ClinVar (database versions not stated): gnomAD exomes below 0.00001; TOPMed below 0.00001; ESP Exome Variant Server 0.00008.

Submission:

Labcorp Genetics (formerly Invitae), Labcorp
Classification: Pathogenic for Peroxisome biogenesis disorder 3A (Zellweger). Last evaluated: 2023-01-27. Review status: criteria provided, single submitter. Criteria: Invitae Variant Classification Sherloc (09022015). Collection method: clinical testing. Allele origin: germline.
Comment: For these reasons, this variant has been classified as Pathogenic. This variant has not been reported in the literature in individuals affected with PEX12-related conditions. This variant is not present in population databases (gnomAD no frequency). This sequence change creates a premature translational stop signal (p.Val41Alafs*26) in the PEX12 gene. It is expected to result in an absent or disrupted protein product. Loss-of-function variants in PEX12 are known to be pathogenic (PMID: 9090384, 9632816, 21031596).

Literature cited by the submitters: PubMed 9090384; PubMed 9632816; PubMed 21031596.

NM_000286.3(PEX12):c.122del (p.Val41fs)

Gene: PEX12 (peroxisomal biogenesis factor 12; minus strand). Cytogenetic location: 17q12.
Variant type: Deletion.
Coding change: c.122del on transcript NM_000286.3 (MANE Select); coding-DNA position 122, one base deleted (T; older notation c.122delT).
Protein change: p.Val41fs; shifts the reading frame from valine 41.
Molecular consequence: frameshift variant.
Genome position (GRCh38, 1-based): chr17:35,577,900, A deleted on the plus strand (T on the coding strand, the reverse complement: PEX12 is on the minus strand). VCF-style (leftmost placement, unchanged base first): chr17-35577899-GA-G. GRCh37 (hg19) VCF-style: chr17-33904918-GA-G.
Other names: short protein forms V41fs.
Identifiers: ClinVar variation 2902200 (VCV002902200.3), dbSNP rs916211345, ClinGen allele CA290070199.
Genomic context (GRCh38, chr17:35,577,899, plus strand): 5'-ATTCGTTTGTTTTTTACCCAGTTGTCCCTAAAACCTTTCCAAGAATTAATACCTTACCTT[GA>G]CCACATGCTGAAGAGCGGGTCTCACTGCTGTCATTAAACTGTCCTGTGCTACCACCTCAA-3'